The following is an entry in ClinVar:

NM_033629.6(TREX1):c.558_573dup (p.Pro192fs)

Genes: ATRIP (ATR interacting protein; plus strand), ATRIP-TREX1 (ATRIP-TREX1 readthrough; plus strand), TREX1 (three prime repair exonuclease 1; plus strand). Cytogenetic location: 3p21.31.
Variant type: Duplication.
Coding change: c.558_573dup on transcript NM_033629.6 (MANE Select); coding-DNA positions 558 to 573, 16 bases duplicated (GTATGGGCAGTCCCCT).
Protein change: p.Pro192fs; shifts the reading frame from proline 192.
Molecular consequence: frameshift variant. On other transcripts: non-coding transcript variant (1), 3 prime UTR variant (4).
Genome position (GRCh38, 1-based): chr3:48,467,213-48,467,228, GTATGGGCAGTCCCCT duplicated; duplicating any 16 consecutive bases within chr3:48,467,210-48,467,228 gives the same sequence; the c. name uses the placement nearest the transcript's 3' end. VCF-style (leftmost placement, unchanged base first): chr3-48467209-G-GCCTGTATGGGCAGTCC. GRCh37 (hg19) VCF-style: chr3-48508608-G-GCCTGTATGGGCAGTCC.
Other names: c.528_543dup, p.Pro182fs (NM_007248.5); c.*1659_*1674dup (NM_001271022.2, NM_001271023.2, NM_032166.4 and 1 more transcripts); short protein forms P182fs, P192fs.
Identifiers: ClinVar variation 3338071 (VCV003338071.1).

ClinVar aggregate classification (germline): Likely pathogenic (0 of 4 stars; one submission).

Conditions:
Chilblain lupus 1 (CHBL1). Identifiers: MedGen C0024145, MONDO:0012500, OMIM 610448.

Submission:

Solve-RD Consortium
Classification: Likely pathogenic for Chilblain lupus 1. Last evaluated: 2022-06-01. Review status: no assertion criteria provided. Collection method: provider interpretation. Allele origin: inherited. Affected: yes.
Comment: Variant confirmed as disease-causing by referring clinical team

Variant identified during reanalysis of unsolved cases by the Solve-RD project. The Solve-RD project has received funding from the European Union’s Horizon 2020 research and innovation programme under grant agreement No 779257.

Literature cited by the submitters: PubMed 39825153.